The following is an entry in ClinVar:

NM_002432.3(MNDA):c.1103G>C (p.Arg368Pro)

Gene: MNDA (myeloid cell nuclear differentiation antigen; plus strand). Cytogenetic location: 1q23.1.
Variant type: single nucleotide variant.
Coding change: c.1103G>C on transcript NM_002432.3 (MANE Select); coding-DNA position 1103, G replaced by C.
Protein change: p.Arg368Pro; replaces arginine 368 with proline.
Molecular consequence: missense variant.
Genome position (GRCh38, 1-based): chr1:158,847,843, G>C. VCF-style: chr1-158847843-G-C. GRCh37 (hg19) VCF-style: chr1-158817633-G-C.
Other names: short protein forms R368P.
Identifiers: ClinVar variation 2324316 (VCV002324316.3), dbSNP rs142597301, ClinGen allele CA343044521.

ClinVar aggregate classification (germline): Uncertain significance (1 of 4 stars; one submission).

Submission:

Ambry Genetics
Classification: Uncertain significance. Last evaluated: 2024-08-10. Review status: criteria provided, single submitter. Criteria: Ambry Variant Classification Scheme 2023. Collection method: clinical testing. Allele origin: germline.
Comment: The p.R368P variant (also known as c.1103G>C), located in coding exon 5 of the MNDA gene, results from a G to C substitution at nucleotide position 1103. The arginine at codon 368 is replaced by proline, an amino acid with dissimilar properties. This amino acid position is conserved. In addition, this alteration is predicted to be tolerated by in silico analysis. Based on the available evidence, the clinical significance of this variant remains unclear.